The following is an entry in ClinVar:

ClinVar aggregate classification (germline): Pathogenic (1 of 4 stars; one submission).

Conditions:
Peroxisome biogenesis disorder. Identifiers: Orphanet 79189, MedGen C1832200, MONDO:0019234. Disease mechanism: loss of function.

gnomAD v4.1: 1 of 1,611,792 alleles (0.000062%); highest among the groups gnomAD compares: Non-Finnish European, 0.000085%; no homozygotes.

Submission:

Myriad Genetics, Inc.
Classification: Pathogenic for Peroxisome biogenesis disorder. Last evaluated: 2025-07-11. Review status: criteria provided, single submitter. Criteria: Myriad Autosomal Dominant, Autosomal Recessive and X-Linked Classification Criteria (2023). Collection method: clinical testing. Allele origin: unknown.
Comment: NM_000466.2(PEX1):c.1406G>A(W469*) is expected to be pathogenic in the context of peroxisome biogenesis disorder type 1. This variant is predicted to lead to an abnormal or absent protein product due to the creation of a premature termination codon in PEX1, a gene where loss-of-function variants are known to be pathogenic. Please note: this variant was assessed in the context of healthy population screening.

NM_000466.3(PEX1):c.1406G>A (p.Trp469Ter)

Gene: PEX1 (peroxisomal biogenesis factor 1; minus strand). Cytogenetic location: 7q21.2.
Variant type: single nucleotide variant.
Coding change: c.1406G>A on transcript NM_000466.3 (MANE Select); coding-DNA position 1406, G replaced by A.
Protein change: p.Trp469Ter; replaces tryptophan 469 with a stop codon.
Molecular consequence: nonsense.
Genome position (GRCh38, 1-based): chr7:92,511,657, C>T on the plus strand (G>A on the coding strand, the complement: PEX1 is on the minus strand). VCF-style: chr7-92511657-C-T. GRCh37 (hg19) VCF-style: chr7-92140971-C-T.
Other names: c.1406G>A, p.Trp469Ter (NM_001282677.2); c.782G>A, p.Trp261Ter (NM_001282678.2); short protein forms W261*, W469*.
Identifiers: ClinVar variation 5014706 (VCV005014706.1).
Genomic context (GRCh38, chr7:92,511,657, plus strand): 5'-TTAATAAATTCTTCCTCTGATATTACCAAAGGAAGCATGGTGGTAGTAGACTGCTGTAGC[C>T]ATGAATAAAATACAGTTTTTATGTCTTCTTCACTTATGTCTTTAGGCTGCCAGAAAAAGG-3'